The following is an entry in ClinVar:

NM_020937.4(FANCM):c.4574_4575del (p.Tyr1525fs)

Gene: FANCM (FA complementation group M; plus strand). Cytogenetic location: 14q21.2.
Variant type: Microsatellite.
Coding change: c.4574_4575del on transcript NM_020937.4 (MANE Select); coding-DNA positions 4574 to 4575, 2 bases deleted (AT; older notation c.4574_4575delAT).
Protein change: p.Tyr1525fs; shifts the reading frame from tyrosine 1525.
Molecular consequence: frameshift variant.
Genome position (GRCh38, 1-based): chr14:45,185,275-45,185,276, AT deleted; deleting any 2 consecutive bases within chr14:45,185,273-45,185,276 gives the same sequence; the c. name uses the placement nearest the transcript's 3' end. VCF-style (leftmost placement, unchanged base first): chr14-45185272-AAT-A. GRCh37 (hg19) VCF-style: chr14-45654475-AAT-A.
Other names: c.4496_4497del, p.Tyr1499fs (NM_001308133.2); c.4574_4575delAT (NM_020937.3); short protein forms Y1499fs, Y1525fs.
Identifiers: ClinVar variation 2069363 (VCV002069363.2), dbSNP rs745421590, ClinGen allele CA7169795.
Genomic context (GRCh38, chr14:45,185,272, plus strand): 5'-CTTAGCATGTAGCTAGGAAGTTTTTAGATGATGAAGCAGAACTTTCTGAAGAAGATGCAG[AAT>A]ATGTTTCATCAGATGAAAATGATGAGTCAGAAAATGAACAAGATTCCTCATTACTTGACT-3'

ClinVar aggregate classification (germline): Conflicting classifications of pathogenicity. Review status: criteria provided, conflicting classifications (1 of 4 stars). 2 submissions from 2 submitters: Pathogenic (1); Uncertain significance (1). Last evaluated 2023-09-12.

Conditions:
FANCM-related disorder. Also called: FANCM-related condition.
Fanconi anemia (FA). Also called: Fanconi's anemia. Identifiers: Orphanet 84, MedGen C0015625, MeSH D005199, MONDO:0019391.

Submissions (2):

PreventionGenetics, part of Exact Sciences
Classification: Uncertain significance for FANCM-related condition. Last evaluated: 2023-09-12. Review status: criteria provided, single submitter. Criteria: ACMG Guidelines, 2015. Collection method: clinical testing. Allele origin: germline.
Comment: The FANCM c.4574_4575delAT variant is predicted to result in a frameshift and premature protein termination (p.Tyr1525Cysfs*5). To our knowledge, this variant has not been reported in the literature. This variant is reported in 0.0029% of alleles in individuals of Latino descent in gnomAD. Although we suspect that this variant may be pathogenic, at this time, the clinical significance of this variant is uncertain due to the absence of conclusive functional and genetic evidence.

Labcorp Genetics (formerly Invitae), Labcorp
Classification: Pathogenic for Fanconi anemia. Last evaluated: 2022-06-28. Review status: criteria provided, single submitter. Criteria: Invitae Variant Classification Sherloc (09022015). Collection method: clinical testing. Allele origin: germline.
Comment: This sequence change creates a premature translational stop signal (p.Tyr1525Cysfs*5) in the FANCM gene. It is expected to result in an absent or disrupted protein product. Loss-of-function variants in FANCM are known to be pathogenic (PMID: 29895858, 30075111). This variant is present in population databases (rs745421590, gnomAD 0.003%). This variant has not been reported in the literature in individuals affected with FANCM-related conditions. For these reasons, this variant has been classified as Pathogenic.

Literature cited by the submitters: PubMed 29895858 (cited by Labcorp Genetics (formerly Invitae), Labcorp); PubMed 30075111 (cited by Labcorp Genetics (formerly Invitae), Labcorp).